The following is an entry in ClinVar:

NM_014679.5(CEP57):c.29C>T (p.Ser10Phe)

Genes: CEP57 (centrosomal protein 57; plus strand), LOC130006618 (ATAC-STARR-seq lymphoblastoid active region 5417; plus strand). Cytogenetic location: 11q21.
Variant type: single nucleotide variant.
Coding change: c.29C>T on transcript NM_014679.5 (MANE Select); coding-DNA position 29, C replaced by T.
Protein change: p.Ser10Phe; replaces serine 10 with phenylalanine.
Molecular consequence: missense variant. On other transcripts: 5 prime UTR variant (2).
Genome position (GRCh38, 1-based): chr11:95,790,727, C>T. VCF-style: chr11-95790727-C-T. GRCh37 (hg19) VCF-style: chr11-95523891-C-T.
Other names: c.-43C>T (NM_001243776.2); c.29C>T, p.Ser10Phe (NM_001243777.2); c.-366C>T (NM_001363604.2); short protein forms S10F.
Identifiers: ClinVar variation 1510132 (VCV001510132.6), dbSNP rs752283181, ClinGen allele CA6239302.

ClinVar aggregate classification (germline): Uncertain significance (1 of 4 stars; one submission).

Conditions:
Mosaic variegated aneuploidy syndrome 2 (MVA2). Identifiers: Orphanet 1052, MedGen C3279843, MONDO:0013582, OMIM 614114.

Allele frequency attached by ClinVar (database versions not stated): gnomAD exomes below 0.00001; ExAC 0.00001.
gnomAD v4.1: 10 of 1,614,052 alleles (0.00062%); highest among the groups gnomAD compares: East Asian, 0.022%; no homozygotes.

Submission:

Labcorp Genetics (formerly Invitae), Labcorp
Classification: Uncertain significance for Mosaic variegated aneuploidy syndrome 2. Last evaluated: 2021-11-29. Review status: criteria provided, single submitter. Criteria: Invitae Variant Classification Sherloc (09022015). Collection method: clinical testing. Allele origin: germline.
Comment: This sequence change replaces serine, which is neutral and polar, with phenylalanine, which is neutral and non-polar, at codon 10 of the CEP57 protein (p.Ser10Phe). This variant is not present in population databases (gnomAD no frequency). This variant has not been reported in the literature in individuals affected with CEP57-related conditions. Algorithms developed to predict the effect of missense changes on protein structure and function are either unavailable or do not agree on the potential impact of this missense change (SIFT: "Deleterious"; PolyPhen-2: "Not Available"; Align-GVGD: "Class C0"). In summary, the available evidence is currently insufficient to determine the role of this variant in disease. Therefore, it has been classified as a Variant of Uncertain Significance.